The following is an entry in ClinVar:

NM_000238.4(KCNH2):c.1877G>A (p.Gly626Asp)

Gene: KCNH2 (potassium voltage-gated channel subfamily H member 2; minus strand). Cytogenetic location: 7q36.1.
Variant type: single nucleotide variant.
Coding change: c.1877G>A on transcript NM_000238.4 (MANE Select); coding-DNA position 1877, G replaced by A.
Protein change: p.Gly626Asp; replaces glycine 626 with aspartic acid.
Molecular consequence: missense variant.
Genome position (GRCh38, 1-based): chr7:150,951,516, C>T on the plus strand (G>A on the coding strand, the complement: KCNH2 is on the minus strand). VCF-style: chr7-150951516-C-T. GRCh37 (hg19) VCF-style: chr7-150648604-C-T.
Other names: c.1877G>A (LRG_288t1); c.857G>A, p.Gly286Asp (NM_001204798.2, NM_172057.3); c.1589G>A, p.Gly530Asp (NM_001406753.1, NM_001406756.1); c.1700G>A, p.Gly567Asp (NM_001406755.1); c.1577G>A, p.Gly526Asp (NM_001406757.1); c.1877G>A, p.Gly626Asp (NM_172056.3); short protein forms G286D, G626D, G526D, G530D, G567D.
Identifiers: ClinVar variation 67305 (VCV000067305.8), dbSNP rs199472952, ClinGen allele CA005751.

ClinVar aggregate classification (germline): Conflicting classifications of pathogenicity. Review status: criteria provided, conflicting classifications (1 of 4 stars). 3 submissions from 3 submitters: Likely pathogenic (1); Uncertain significance (1). 1 of the submissions does not count toward it. Last evaluated 2026-07-15.

Conditions:
Cardiovascular phenotype. Identifiers: MedGen CN230736.
Familial long QT syndrome (RWS). Also called: Congenital long QT syndrome; Romano-Ward syndrome; VENTRICULAR FIBRILLATION WITH PROLONGED QT INTERVAL. Identifiers: Orphanet 768, MedGen C1141890, MONDO:0019171.
Long QT syndrome (LQTS). Identifiers: MedGen C0023976, MeSH D008133, MONDO:0002442. Disease mechanism: loss of function. Inheritance: Various modes of inheritance.

Submissions (3):

Ambry Genetics
Classification: Likely pathogenic for Cardiovascular phenotype. Last evaluated: 2026-07-15. Review status: criteria provided, single submitter. Criteria: Ambry Variant Classification Scheme 2023. Collection method: clinical testing. Allele origin: germline.
Comment: The p.G626D variant (also known as c.1877G>A), located in coding exon 7 of the KCNH2 gene, results from a G to A substitution at nucleotide position 1877. The glycine at codon 626 is replaced by aspartic acid, an amino acid with similar properties. This alteration impacts the highly conserved ion selectivity filter (SVGFGN) located between transmembrane helices S5 and S6. This variant was reported in individual(s) with features consistent with long QT syndrome (Kapplinger JD et al. Heart Rhythm, 2009 Sep;6:1297-303; Ambry internal data). In an assay testing KCNH2 function, this variant showed a trafficking defect (Anderson CL et al. Nat Commun, 2014 Nov;5:5535). In addition, internal structural analysis indicates that this variant disrupts the ion channel pore and is expected to eliminate the K+ selectivity of the K+ channel (Tao X et al. Science. 2009;326(5960):1668-74; Whorton MR and MacKinnon R. Cell. 2011;147(1):199-208; Ambry internal data). This amino acid position is highly conserved in available vertebrate species. In addition, this alteration is predicted to be deleterious by in silico analysis. This variant is considered to be rare based on population cohorts in the Genome Aggregation Database (gnomAD). Based on the majority of available evidence to date, this variant is likely to be pathogenic.

Labcorp Genetics (formerly Invitae), Labcorp
Classification: Uncertain significance for Long QT syndrome. Last evaluated: 2022-08-16. Review status: criteria provided, single submitter. Criteria: Invitae Variant Classification Sherloc (09022015). Collection method: clinical testing. Allele origin: germline.
Comment: This missense change has been observed in individual(s) with clinical features of long QT syndrome (PMID: 19716085). In summary, the available evidence is currently insufficient to determine the role of this variant in disease. Therefore, it has been classified as a Variant of Uncertain Significance. Experimental studies have shown that this missense change affects KCNH2 function (PMID: 25417810). Algorithms developed to predict the effect of missense changes on protein structure and function (SIFT, PolyPhen-2, Align-GVGD) all suggest that this variant is likely to be disruptive. ClinVar contains an entry for this variant (Variation ID: 67305). This variant is not present in population databases (gnomAD no frequency). This sequence change replaces glycine, which is neutral and non-polar, with aspartic acid, which is acidic and polar, at codon 626 of the KCNH2 protein (p.Gly626Asp).

Cardiovascular Biomedical Research Unit, Royal Brompton & Harefield NHS Foundation Trust
No classification provided. Condition: Familial long QT syndrome. Review status: no classification provided. Collection method: literature only. Allele origin: germline. Not counted in ClinVar's aggregate classification.
Comment: This variant has been reported as associated with Long QT syndrome in the following publications (PMID:19716085). This is a literature report, and does not necessarily reflect the clinical interpretation of the Imperial College / Royal Brompton Cardiovascular Genetics laboratory.

Literature cited by the submitters: PubMed 19716085 (cited by 3 submitters); PubMed 25417810 (cited by Ambry Genetics and Labcorp Genetics (formerly Invitae), Labcorp); PubMed 22581653 (cited by Cardiovascular Biomedical Research Unit, Royal Brompton & Harefield NHS Foundation Trust).